The following is an entry in ClinVar:

ClinVar aggregate classification (germline): Uncertain significance (1 of 4 stars; one submission).

Allele frequency attached by ClinVar (database versions not stated): gnomAD exomes below 0.00001.
gnomAD v4.1: 1 of 1,614,234 alleles (0.000062%); highest among the groups gnomAD compares: Admixed American, 0.0017%; no homozygotes.

Submission:

Labcorp Genetics (formerly Invitae), Labcorp
Classification: Uncertain significance. Last evaluated: 2021-06-15. Review status: criteria provided, single submitter. Criteria: Invitae Variant Classification Sherloc (09022015). Collection method: clinical testing. Allele origin: germline.
Comment: This variant is not present in population databases (ExAC no frequency). In summary, the available evidence is currently insufficient to determine the role of this variant in disease. Therefore, it has been classified as a Variant of Uncertain Significance. Algorithms developed to predict the effect of missense changes on protein structure and function are either unavailable or do not agree on the potential impact of this missense change (SIFT: "Tolerated"; PolyPhen-2: "Possibly Damaging"; Align-GVGD: "Class C0"). This variant has not been reported in the literature in individuals with TCF20-related conditions. This sequence change replaces glutamic acid with alanine at codon 930 of the TCF20 protein (p.Glu930Ala). The glutamic acid residue is moderately conserved and there is a moderate physicochemical difference between glutamic acid and alanine.

NM_001378418.1(TCF20):c.2789A>C (p.Glu930Ala)

Gene: TCF20 (transcription factor 20; minus strand). Cytogenetic location: 22q13.2.
Variant type: single nucleotide variant.
Coding change: c.2789A>C on transcript NM_001378418.1 (MANE Select); coding-DNA position 2789, A replaced by C.
Protein change: p.Glu930Ala; replaces glutamic acid 930 with alanine.
Molecular consequence: missense variant.
Genome position (GRCh38, 1-based): chr22:42,212,517, T>G on the plus strand (A>C on the coding strand, the complement: TCF20 is on the minus strand). VCF-style: chr22-42212517-T-G. GRCh37 (hg19) VCF-style: chr22-42608523-T-G.
Other names: c.2789A>C, p.Glu930Ala (NM_005650.4, NM_181492.3); short protein forms E930A.
Identifiers: ClinVar variation 1433440 (VCV001433440.8), dbSNP rs2147209606, ClinGen allele CA411787896.